The following is an entry in ClinVar:

ClinVar aggregate classification (germline): Uncertain significance (1 of 4 stars; one submission).

Conditions:
Congenital muscular dystrophy due to integrin alpha-7 deficiency. Also called: MYOPATHY, CONGENITAL, DUE TO INTEGRIN ALPHA-7 DEFICIENCY; Congenital muscular dystrophy with integrin alpha-7 deficiency; Muscular dystrophy, congenital, due to ITGA7 deficiency. Identifiers: Orphanet 34520, MedGen C2750786, MONDO:0013177, OMIM 613204.

gnomAD v4.1: 1 of 1,614,082 alleles (0.000062%); no homozygotes.

Submission:

Labcorp Genetics (formerly Invitae), Labcorp
Classification: Uncertain significance for Congenital muscular dystrophy due to integrin alpha-7 deficiency. Last evaluated: 2021-04-02. Review status: criteria provided, single submitter. Criteria: Invitae Variant Classification Sherloc (09022015). Collection method: clinical testing. Allele origin: germline.
Comment: Algorithms developed to predict the effect of missense changes on protein structure and function are either unavailable or do not agree on the potential impact of this missense change (SIFT: "Tolerated"; PolyPhen-2: "Possibly Damaging"; Align-GVGD: "Class C0"). This variant has not been reported in the literature in individuals with ITGA7-related conditions. This variant is not present in population databases (ExAC no frequency). This sequence change replaces valine with alanine at codon 780 of the ITGA7 protein (p.Val780Ala). The valine residue is moderately conserved and there is a small physicochemical difference between valine and alanine. In summary, the available evidence is currently insufficient to determine the role of this variant in disease. Therefore, it has been classified as a Variant of Uncertain Significance.

NM_002206.3(ITGA7):c.2339T>C (p.Val780Ala)

Genes: ITGA7 (integrin subunit alpha 7; minus strand), LOC126861535 (CDK7 strongly-dependent group 2 enhancer GRCh37_chr12:56087579-56088778; plus strand). Cytogenetic location: 12q13.2.
Variant type: single nucleotide variant.
Coding change: c.2339T>C on transcript NM_002206.3 (MANE Select); coding-DNA position 2339, T replaced by C.
Protein change: p.Val780Ala; replaces valine 780 with alanine.
Molecular consequence: missense variant.
Genome position (GRCh38, 1-based): chr12:55,694,461, A>G on the plus strand (T>C on the coding strand, the complement: ITGA7 is on the minus strand). VCF-style: chr12-55694461-A-G. GRCh37 (hg19) VCF-style: chr12-56088245-A-G.
Other names: c.2156T>C, p.Val719Ala (NM_001414033.1); c.2114T>C, p.Val705Ala (NM_001414034.1); c.2000T>C, p.Val667Ala (NM_001414035.1); c.2471T>C, p.Val824Ala (NM_001410977.1); c.2333T>C, p.Val778Ala (NM_001414029.1); c.2264T>C, p.Val755Ala (NM_001414030.1); c.2252T>C, p.Val751Ala (NM_001414031.1); c.2219T>C, p.Val740Ala (NM_001414032.1); and 5 more; short protein forms V774A, V332A, V784A, V671A, V687A, V780A, V824A, V740A.
Identifiers: ClinVar variation 1468352 (VCV001468352.8), dbSNP rs772845920, ClinGen allele CA385183098.